The following is an entry in ClinVar:

NM_000103.4(CYP19A1):c.261C>T (p.Val87=)

Genes: CYP19A1 (cytochrome P450 family 19 subfamily A member 1; minus strand), MIR4713HG (MIR4713 host gene; plus strand), PIRC66 (piwi-interacting RNA cluster 66; plus strand). Cytogenetic location: 15q21.2.
Variant type: single nucleotide variant.
Coding change: c.261C>T on transcript NM_000103.4 (MANE Select); coding-DNA position 261, C replaced by T.
Protein change: p.Val87=; no amino-acid change (valine 87 retained).
Molecular consequence: synonymous variant.
Genome position (GRCh38, 1-based): chr15:51,236,894, G>A on the plus strand (C>T on the coding strand, the complement: CYP19A1 is on the minus strand). VCF-style: chr15-51236894-G-A. GRCh37 (hg19) VCF-style: chr15-51529091-G-A.
Other names: c.261C>T, p.Val87= (NM_001347248.1, NM_001347249.2, NM_001347250.2 and 7 more transcripts); c.261C>T (NM_031226.2).
Identifiers: ClinVar variation 1106659 (VCV001106659.11), dbSNP rs1003379171, ClinGen allele CA270541981.

ClinVar aggregate classification (germline): Likely benign. Review status: criteria provided, single submitter (1 of 4 stars). 2 submissions from 2 submitters: Likely benign (1). 1 of the submissions does not count toward it. Last evaluated 2023-12-30.

Conditions:
CYP19A1-related disorder. Also called: CYP19A1-related condition.

Allele frequency attached by ClinVar (database versions not stated): gnomAD exomes below 0.00001; TOPMed 0.00001.
gnomAD v4.1: 7 of 1,614,172 alleles (0.00043%); highest among the groups gnomAD compares: Non-Finnish European, 0.00059%; no homozygotes.

Submissions (2):

Labcorp Genetics (formerly Invitae), Labcorp
Classification: Likely benign. Last evaluated: 2023-12-30. Review status: criteria provided, single submitter. Criteria: Invitae Variant Classification Sherloc (09022015). Collection method: clinical testing. Allele origin: germline.

PreventionGenetics, part of Exact Sciences
Classification: Likely benign for CYP19A1-related condition. Last evaluated: 2019-07-10. Review status: no assertion criteria provided. Collection method: clinical testing. Allele origin: germline. Not counted in ClinVar's aggregate classification.
Comment: This variant is classified as likely benign based on ACMG/AMP sequence variant interpretation guidelines (Richards et al. 2015 PMID: 25741868, with internal and published modifications).